The following is an entry in ClinVar:

NM_004595.5(SMS):c.735A>T (p.Lys245Asn)

Gene: SMS (spermine synthase; plus strand). Cytogenetic location: Xp22.11.
Variant type: single nucleotide variant.
Coding change: c.735A>T on transcript NM_004595.5 (MANE Select); coding-DNA position 735, A replaced by T.
Protein change: p.Lys245Asn; replaces lysine 245 with asparagine.
Molecular consequence: missense variant.
Genome position (GRCh38, 1-based): chrX:21,978,951, A>T. VCF-style: chrX-21978951-A-T. GRCh37 (hg19) VCF-style: chrX-21997069-A-T.
Other names: c.576A>T, p.Lys192Asn (NM_001258423.2); c.735A>T (NM_004595.3); short protein forms K192N, K245N.
Identifiers: ClinVar variation 2576954 (VCV002576954.2), dbSNP rs879048096, ClinGen allele CA327512569.
Genomic context (GRCh38, chrX:21,978,951, plus strand): 5'-GATTGATGGGTGTAAGAAATACATGCGAAAAACGTGTGGCGATGTCTTAGACAATCTTAA[A>T]GGAGACTGCTATCAGGTAATTGTTTTCTGGATAATGTAGTTTTAAGTGAACTAATAATAT-3'
Protein context (NP_004586.2, residues 235-255): KTCGDVLDNL[Lys245Asn]GDCYQVLIED

ClinVar aggregate classification (germline): Uncertain significance. Review status: criteria provided, multiple submitters, no conflicts (2 of 4 stars). 2 submissions from 2 submitters: Uncertain significance (2). Last evaluated 2025-05-16.

Conditions:
Inborn genetic diseases. Identifiers: MedGen C0950123, MeSH D030342.

Allele frequency attached by ClinVar (database versions not stated): TOPMed below 0.00001; gnomAD 0.00002.
gnomAD v4.1: 2 of 1,172,866 alleles (0.00017%); highest among the groups gnomAD compares: Admixed American, 0.0044%; no homozygotes.

Submissions (2):

Ambry Genetics
Classification: Uncertain significance for Inborn genetic diseases. Last evaluated: 2025-05-16. Review status: criteria provided, single submitter. Criteria: Ambry Variant Classification Scheme 2023. Collection method: clinical testing. Allele origin: germline.

GeneDx
Classification: Uncertain significance. Last evaluated: 2023-02-16. Review status: criteria provided, single submitter. Criteria: GeneDx Variant Classification Process June 2021. Collection method: clinical testing. Allele origin: germline. Affected: yes.
Comment: Not observed at significant frequency in large population cohorts (gnomAD); In silico analysis supports that this missense variant does not alter protein structure/function; Has not been previously published as pathogenic or benign to our knowledge